The following is an entry in ClinVar:

NM_002485.5(NBN):c.628G>C (p.Val210Leu)

Gene: NBN (nibrin; minus strand). Cytogenetic location: 8q21.3.
Variant type: single nucleotide variant.
Coding change: c.628G>C on transcript NM_002485.5 (MANE Select); coding-DNA position 628, G replaced by C.
Protein change: p.Val210Leu; replaces valine 210 with leucine.
Molecular consequence: missense variant.
Genome position (GRCh38, 1-based): chr8:89,971,247, C>G on the plus strand (G>C on the coding strand, the complement: NBN is on the minus strand). VCF-style: chr8-89971247-C-G. GRCh37 (hg19) VCF-style: chr8-90983475-C-G.
Other names: c.382G>C, p.Val128Leu (NM_001024688.3); short protein forms V128L, V210L.
Identifiers: ClinVar variation 826300 (VCV000826300.10), dbSNP rs61754796, ClinGen allele CA371659210.
Genomic context (GRCh38, chr8:89,971,247, plus strand): 5'-AAAATATAAATGTTTTCCCTTTGAAGATTTGTTTTCTTTCCTGCCGTCCTGACAGATCAA[C>G]ATTTTTACTTCCAATAGATGGTTCATCAAGAGGTGGGTAAAAACTGTAAAAATAATTAAA-3'
Protein context (NP_002476.2, residues 200-220): LDEPSIGSKN[Val210Leu]DLSGRQERKQ

ClinVar aggregate classification (germline): Uncertain significance. Review status: criteria provided, multiple submitters, no conflicts (2 of 4 stars). 2 submissions from 2 submitters: Uncertain significance (2). Last evaluated 2024-04-28.

Conditions:
Hereditary cancer-predisposing syndrome. Also called: Neoplastic Syndromes, Hereditary; Hereditary Cancer Syndrome; Hereditary neoplastic syndrome; Tumor predisposition. Identifiers: Orphanet 140162, MedGen C0027672, MeSH D009386, MONDO:0015356.
Microcephaly, normal intelligence and immunodeficiency (NBS). Also called: Nijmegen breakage syndrome; Microcephaly with normal intelligence immunodeficiency and lymphoreticular malignancies; Nonsyndromal microcephaly autosomal recessive with normal intelligence; Seemanova syndrome 2; Ataxia telangiectasia variant V1; BERLIN BREAKAGE SYNDROME. Identifiers: Orphanet 647, MedGen C0398791, MONDO:0009623, OMIM 251260.

Submissions (2):

Ambry Genetics
Classification: Uncertain significance for Hereditary cancer-predisposing syndrome. Last evaluated: 2024-04-28. Review status: criteria provided, single submitter. Criteria: Ambry Variant Classification Scheme 2023. Collection method: clinical testing. Allele origin: germline.
Comment: The p.V210L variant (also known as c.628G>C), located in coding exon 6 of the NBN gene, results from a G to C substitution at nucleotide position 628. The valine at codon 210 is replaced by leucine, an amino acid with highly similar properties. This amino acid position is poorly conserved in available vertebrate species. In addition, this alteration is predicted to be tolerated by in silico analysis. Since supporting evidence is limited at this time, the clinical significance of this alteration remains unclear.

Labcorp Genetics (formerly Invitae), Labcorp
Classification: Uncertain significance for Microcephaly, normal intelligence and immunodeficiency. Last evaluated: 2022-10-13. Review status: criteria provided, single submitter. Criteria: Invitae Variant Classification Sherloc (09022015). Collection method: clinical testing. Allele origin: germline.
Comment: ClinVar contains an entry for this variant (Variation ID: 826300). In summary, the available evidence is currently insufficient to determine the role of this variant in disease. Therefore, it has been classified as a Variant of Uncertain Significance. Algorithms developed to predict the effect of missense changes on protein structure and function output the following: SIFT: "Tolerated"; PolyPhen-2: "Benign"; Align-GVGD: "Class C0". The leucine amino acid residue is found in multiple mammalian species, which suggests that this missense change does not adversely affect protein function. This variant has not been reported in the literature in individuals affected with NBN-related conditions. This variant is not present in population databases (gnomAD no frequency). This sequence change replaces valine, which is neutral and non-polar, with leucine, which is neutral and non-polar, at codon 210 of the NBN protein (p.Val210Leu).